The following is an entry in ClinVar:

ClinVar aggregate classification (germline): Uncertain significance. Review status: criteria provided, multiple submitters, no conflicts (2 of 4 stars). 3 submissions from 3 submitters: Uncertain significance (3). Last evaluated 2026-05-21.

Conditions:
Menke-Hennekam syndrome 1 (MKHK1). Identifiers: MedGen C5193034, MONDO:0020763, OMIM 618332.
Rubinstein-Taybi syndrome due to CREBBP mutations (RSTS1). Also called: RUBINSTEIN-TAYBI SYNDROME 1, INCOMPLETE; BROAD THUMB-HALLUX SYNDROME; RUBINSTEIN SYNDROME; BROAD THUMBS AND GREAT TOES, CHARACTERISTIC FACIES, AND IMPAIRED INTELLECTUAL DEVELOPMENT; Rubinstein-Taybi syndrome 1; CREBBP-Related Rubinstein-Taybi Syndrome. Identifiers: Orphanet 353277, Orphanet 783, MedGen C4551859, MONDO:0008393, OMIM 180849.
CREBBP-related disorder. Also called: CREBBP-related disorders; CREBBP-related condition.

gnomAD v4.1: 7 of 1,613,924 alleles (0.00043%); highest among the groups gnomAD compares: African/African-American, 0.008%; no homozygotes.

Submissions (3):

PreventionGenetics, part of Exact Sciences
Classification: Uncertain significance for CREBBP-related condition. Last evaluated: 2026-05-21. Review status: criteria provided, single submitter. Criteria: ACMG Guidelines, 2015. Collection method: clinical testing. Allele origin: germline.
Comment: The CREBBP c.1645T>G variant is predicted to result in the amino acid substitution p.Ser549Ala. To our knowledge, this variant has not been reported in the literature or in a large population database (gnomAD), indicating this variant is rare. At this time, the clinical significance of this variant is uncertain due to the absence of conclusive functional and genetic evidence.

Fulgent Genetics
Classification: Uncertain significance for Rubinstein-Taybi syndrome due to CREBBP mutations; Menke-Hennekam syndrome 1. Last evaluated: 2024-05-20. Review status: criteria provided, single submitter. Criteria: ACMG Guidelines, 2015. Collection method: clinical testing. Allele origin: germline.

Blueprint Genetics
Classification: Uncertain significance. Last evaluated: 2020-09-01. Review status: criteria provided, single submitter. Criteria: ACMG Guidelines, 2015. Collection method: clinical testing. Allele origin: germline.

NM_004380.3(CREBBP):c.1645T>G (p.Ser549Ala)

Gene: CREBBP (CREB binding lysine acetyltransferase; minus strand). Cytogenetic location: 16p13.3.
Variant type: single nucleotide variant.
Coding change: c.1645T>G on transcript NM_004380.3 (MANE Select); coding-DNA position 1645, T replaced by G.
Protein change: p.Ser549Ala; replaces serine 549 with alanine.
Molecular consequence: missense variant.
Genome position (GRCh38, 1-based): chr16:3,781,235, A>C on the plus strand (T>G on the coding strand, the complement: CREBBP is on the minus strand). VCF-style: chr16-3781235-A-C. GRCh37 (hg19) VCF-style: chr16-3831236-A-C.
Other names: c.1645T>G (NM_004380.2); c.1531T>G, p.Ser511Ala (NM_001079846.1); short protein forms S511A, S549A.
Identifiers: ClinVar variation 3580655 (VCV003580655.3).
Genomic context (GRCh38, chr16:3,781,235, plus strand): 5'-TGTCACTCAGATCTGAAACAGGGTCTTACTTTGTGGCCCCCAGGGAAGTCGGAAGAGCTG[A>C]TTCTGAAATCAAGTTTGGGGGCTGCTGATCTGTTGTTATTCCTCCTGCTGGAATGTTCAT-3'
Protein context (NP_004371.2, residues 539-559): DQQPPNLISE[Ser549Ala]ALPTSLGATN